The following is an entry in ClinVar:

NM_015466.4(PTPN23):c.2038G>A (p.Ala680Thr)

Gene: PTPN23 (protein tyrosine phosphatase non-receptor type 23; plus strand). Cytogenetic location: 3p21.31.
Variant type: single nucleotide variant.
Coding change: c.2038G>A on transcript NM_015466.4 (MANE Select); coding-DNA position 2038, G replaced by A.
Protein change: p.Ala680Thr; replaces alanine 680 with threonine.
Molecular consequence: missense variant.
Genome position (GRCh38, 1-based): chr3:47,409,743, G>A. VCF-style: chr3-47409743-G-A. GRCh37 (hg19) VCF-style: chr3-47451233-G-A.
Other names: c.1660G>A, p.Ala554Thr (NM_001304482.2); short protein forms A554T, A680T.
Identifiers: ClinVar variation 1722433 (VCV001722433.32), dbSNP rs780877957, ClinGen allele CA2365897.

ClinVar aggregate classification (germline): Uncertain significance. Review status: criteria provided, multiple submitters, no conflicts (2 of 4 stars). 4 submissions from 4 submitters: Uncertain significance (4). Last evaluated 2022-09-12.

Conditions:
Neurodevelopmental disorder and structural brain anomalies with or without seizures and spasticity. Identifiers: MedGen C5394423, MONDO:0030046, OMIM 618890.

Allele frequency attached by ClinVar (database versions not stated): ExAC 0.00001; gnomAD exomes 0.00001; TOPMed 0.00001.

Submissions (4):

Women's Health and Genetics/Laboratory Corporation of America, LabCorp
Classification: Uncertain significance. Last evaluated: 2022-09-12. Review status: criteria provided, single submitter. Criteria: LabCorp Variant Classification Summary - May 2015. Collection method: clinical testing. Allele origin: germline.
Comment: Variant summary: PTPN23 c.2038G>A (p.Ala680Thr) results in a non-conservative amino acid change located in the ALIX V-shaped domain (IPR025304) of the encoded protein sequence. Three of four in-silico tools predict a damaging effect of the variant on protein function. The variant allele was found at a frequency of 1.6e-05 in 242614 control chromosomes (gnomAD). The available data on variant occurrences in the general population are insufficient to allow any conclusion about variant significance. To our knowledge, no occurrence of c.2038G>A in individuals affected with Neurodevelopmental Disorder And Structural Brain Anomalies With Or Without Seizures And Spasticity and no experimental evidence demonstrating its impact on protein function have been reported. No clinical diagnostic laboratories have submitted clinical-significance assessments for this variant to ClinVar after 2014. Based on the evidence outlined above, the variant was classified as uncertain significance.

Labcorp Genetics (formerly Invitae), Labcorp
Classification: Uncertain significance. Last evaluated: 2022-07-11. Review status: criteria provided, single submitter. Criteria: Invitae Variant Classification Sherloc (09022015). Collection method: clinical testing. Allele origin: germline.
Comment: This sequence change replaces alanine, which is neutral and non-polar, with threonine, which is neutral and polar, at codon 680 of the PTPN23 protein (p.Ala680Thr). This variant is present in population databases (rs780877957, gnomAD 0.007%). This variant has not been reported in the literature in individuals affected with PTPN23-related conditions. Algorithms developed to predict the effect of missense changes on protein structure and function are either unavailable or do not agree on the potential impact of this missense change (SIFT: "Tolerated"; PolyPhen-2: "Not Available"; Align-GVGD: "Class C0"). In summary, the available evidence is currently insufficient to determine the role of this variant in disease. Therefore, it has been classified as a Variant of Uncertain Significance.

CeGaT Center for Human Genetics Tuebingen
Classification: Uncertain significance. Last evaluated: 2022-04-01. Review status: criteria provided, single submitter. Criteria: CeGaT Center For Human Genetics Tuebingen Variant Classification Criteria Version 2. Collection method: clinical testing. Allele origin: germline. Affected: yes. Observed: 1 variant allele.
Comment: PTPN23: PM2

Revvity Omics, Revvity
Classification: Uncertain significance for Neurodevelopmental disorder and structural brain anomalies with or without seizures and spasticity. Last evaluated: 2022-03-10. Review status: criteria provided, single submitter. Criteria: ACMG Guidelines, 2015. Collection method: clinical testing. Allele origin: germline.